The following is an entry in ClinVar:

NM_001040108.2(MLH3):c.3718dup (p.Ser1240fs)

Gene: MLH3 (mutL homolog 3; minus strand). Cytogenetic location: 14q24.3.
Variant type: Duplication.
Coding change: c.3718dup on transcript NM_001040108.2 (MANE Select); coding-DNA position 3718, one base duplicated (T; older notation c.3718dupT).
Protein change: p.Ser1240fs; shifts the reading frame from serine 1240.
Molecular consequence: frameshift variant.
Genome position (GRCh38, 1-based): chr14:75,032,177, A duplicated on the plus strand (T on the coding strand, the reverse complement: MLH3 is on the minus strand); the first of 2 consecutive A bases (chr14:75,032,177-75,032,178); duplicating either gives the same sequence. VCF-style (leftmost placement, unchanged base first): chr14-75032176-G-GA. GRCh37 (hg19) VCF-style: chr14-75498879-G-GA.
Other names: c.3646dup, p.Ser1216fs (NM_014381.3); short protein forms S1216fs, S1240fs.
Identifiers: ClinVar variation 3710936 (VCV003710936.2).

ClinVar aggregate classification (germline): Uncertain significance (1 of 4 stars; one submission).

Conditions:
Colorectal cancer, hereditary nonpolyposis, type 7. Identifiers: Orphanet 144, MedGen C1858380, MONDO:0013725, OMIM 614385.

Submission:

Labcorp Genetics (formerly Invitae), Labcorp
Classification: Uncertain significance for Colorectal cancer, hereditary nonpolyposis, type 7. Last evaluated: 2024-05-02. Review status: criteria provided, single submitter. Criteria: Invitae Variant Classification Sherloc (09022015). Collection method: clinical testing. Allele origin: germline.
Comment: This sequence change creates a premature translational stop signal (p.Ser1240Phefs*49) in the MLH3 gene. It is expected to result in an absent or disrupted protein product. However, the current clinical and genetic evidence is not sufficient to establish whether loss-of-function variants in MLH3 cause disease. This variant is not present in population databases (gnomAD no frequency). This variant has not been reported in the literature in individuals affected with MLH3-related conditions. In summary, the available evidence is currently insufficient to determine the role of this variant in disease. Therefore, it has been classified as a Variant of Uncertain Significance.